The following is an entry in ClinVar:

ClinVar aggregate classification (germline): Uncertain significance (1 of 4 stars; one submission).

Allele frequency attached by ClinVar (database versions not stated): gnomAD exomes 0.00001.
gnomAD v4.1: 7 of 1,612,070 alleles (0.00043%); highest among the groups gnomAD compares: Admixed American, 0.0017%; no homozygotes.

Submission:

Labcorp Genetics (formerly Invitae), Labcorp
Classification: Uncertain significance. Last evaluated: 2023-12-02. Review status: criteria provided, single submitter. Criteria: Invitae Variant Classification Sherloc (09022015). Collection method: clinical testing. Allele origin: germline.
Comment: This sequence change replaces histidine, which is basic and polar, with tyrosine, which is neutral and polar, at codon 103 of the CEP97 protein (p.His103Tyr). This variant is present in population databases (no rsID available, gnomAD 0.003%). This variant has not been reported in the literature in individuals affected with CEP97-related conditions. Advanced modeling of protein sequence and biophysical properties (such as structural, functional, and spatial information, amino acid conservation, physicochemical variation, residue mobility, and thermodynamic stability) performed at Invitae indicates that this missense variant is not expected to disrupt CEP97 protein function with a negative predictive value of 80%. In summary, the available evidence is currently insufficient to determine the role of this variant in disease. Therefore, it has been classified as a Variant of Uncertain Significance.

NM_024548.4(CEP97):c.307C>T (p.His103Tyr)

Gene: CEP97 (centrosomal protein 97; plus strand). Cytogenetic location: 3q12.3.
Variant type: single nucleotide variant.
Coding change: c.307C>T on transcript NM_024548.4 (MANE Select); coding-DNA position 307, C replaced by T.
Protein change: p.His103Tyr; replaces histidine 103 with tyrosine.
Molecular consequence: missense variant.
Genome position (GRCh38, 1-based): chr3:101,727,503, C>T. VCF-style: chr3-101727503-C-T. GRCh37 (hg19) VCF-style: chr3-101446347-C-T.
Other names: c.307C>T, p.His103Tyr (NM_001303401.2, NM_001410784.1, NM_001410785.1); short protein forms H103Y.
Identifiers: ClinVar variation 2995112 (VCV002995112.3), dbSNP rs1256764915, ClinGen allele CA353884410.